The following is an entry in ClinVar:

ClinVar aggregate classification (germline): Benign/Likely benign. Review status: criteria provided, multiple submitters, no conflicts (2 of 4 stars). 4 submissions from 4 submitters: Benign (3); Likely benign (1). Last evaluated 2018-06-19.

Conditions:
Sarcoglycanopathy. Identifiers: Orphanet 207052, MedGen C2936331, MONDO:0016140.

Allele frequency attached by ClinVar (database versions not stated): gnomAD 0.31172 and 0.32355; TOPMed 0.31769; 1000 Genomes Project 30x 0.34010; 1000 Genomes Project 0.35024.
gnomAD v4.1: 183,165 of 488,628 alleles (37%); highest among the groups gnomAD compares: South Asian, 50%; 36,811 homozygotes.

Submissions (9):

GeneDx
Classification: Benign. Last evaluated: 2018-06-19. Review status: criteria provided, single submitter. Criteria: GeneDx Variant Classification Process June 2021. Collection method: clinical testing. Allele origin: germline. Affected: yes.

Illumina Laboratory Services, Illumina
Classification: Benign for Sarcoglycanopathy. Last evaluated: 2018-01-12. Review status: criteria provided, single submitter. Criteria: ICSL Variant Classification Criteria 13 December 2019. Collection method: clinical testing. Allele origin: germline.
Comment: This variant was observed in the ICSL laboratory as part of a predisposition screen in an ostensibly healthy population. It had not been previously curated by ICSL or reported in the Human Gene Mutation Database (HGMD: prior to June 1st, 2018), and was therefore a candidate for classification through an automated scoring system. Utilizing variant allele frequency, disease prevalence and penetrance estimates, and inheritance mode, an automated score was calculated to assess if this variant is too frequent to cause the disease. Based on the score and internal cut-off values, a variant classified as benign is not then subjected to further curation. The score for this variant resulted in a classification of benign for this disease.

Eurofins Ntd Llc (ga)
Classification: Benign. Last evaluated: 2016-06-15. Review status: criteria provided, single submitter. Criteria: EGL Classification Definitions 2015. Collection method: clinical testing. Allele origin: germline. Observed: 1 variant allele.

Breakthrough Genomics
Classification: Likely benign. Review status: criteria provided, single submitter. Criteria: ACMG Guidelines, 2015. Collection method: not provided. Allele origin: germline. Inheritance: Autosomal recessive inheritance. Affected: yes.

Dr. Peter K. Rogan Lab, Western University
No classification provided (evidence only). Condition: Thymoma. Review status: no classification provided. Collection method: in vitro. Allele origin: not applicable. Functional consequence: retained intron. Not counted in ClinVar's aggregate classification.

Dr. Peter K. Rogan Lab, Western University
No classification provided (evidence only). Condition: Thymoma. Review status: no classification provided. Collection method: in vitro. Allele origin: not applicable. Functional consequence: retained intron. Not counted in ClinVar's aggregate classification.

Dr. Peter K. Rogan Lab, Western University
No classification provided (evidence only). Condition: Thymoma. Review status: no classification provided. Collection method: in vitro. Allele origin: not applicable. Functional consequence: retained intron. Not counted in ClinVar's aggregate classification.

Dr. Peter K. Rogan Lab, Western University
No classification provided (evidence only). Condition: Thymoma. Review status: no classification provided. Collection method: in vitro. Allele origin: not applicable. Functional consequence: retained intron. Not counted in ClinVar's aggregate classification.

Dr. Peter K. Rogan Lab, Western University
No classification provided (evidence only). Condition: Malignant tumor of esophagus. Review status: no classification provided. Collection method: in vitro. Allele origin: not applicable. Functional consequence: retained intron. Not counted in ClinVar's aggregate classification.

NM_000231.3(SGCG):c.*254G>A

Gene: SGCG (sarcoglycan gamma; plus strand). Cytogenetic location: 13q12.12.
Variant type: single nucleotide variant.
Coding change: c.*254G>A on transcript NM_000231.3 (MANE Select); 254 bases downstream of the stop codon, G replaced by A.
Molecular consequence: 3 prime UTR variant.
Genome position (GRCh38, 1-based): chr13:23,324,795, G>A. VCF-style: chr13-23324795-G-A. GRCh37 (hg19) VCF-style: chr13-23898934-G-A.
Other names: NC_000013.10:g.23898934G>A; c.*254G>A (NM_001378244.1, NM_001378245.1, NM_001378246.1).
Identifiers: ClinVar variation 288428 (VCV000288428.14), dbSNP rs3751371, ClinGen allele CA10606084.